The following is an entry in ClinVar:

ClinVar aggregate classification (germline): Uncertain significance (1 of 4 stars; one submission).

Conditions:
Inborn genetic diseases. Identifiers: MedGen C0950123, MeSH D030342.

gnomAD v4.1: 1 of 1,614,066 alleles (0.000062%); no homozygotes.

Submission:

Ambry Genetics
Classification: Uncertain significance for Inborn genetic diseases. Last evaluated: 2024-12-23. Review status: criteria provided, single submitter. Criteria: Ambry Variant Classification Scheme 2023. Collection method: clinical testing. Allele origin: germline.
Comment: The p.S52F variant (also known as c.155C>T), located in coding exon 2 of the BMPR2 gene, results from a C to T substitution at nucleotide position 155. The serine at codon 52 is replaced by phenylalanine, an amino acid with highly dissimilar properties. This amino acid position is conserved. In addition, this alteration is predicted to be deleterious by in silico analysis. Based on the available evidence, the clinical significance of this variant remains unclear.

NM_001204.7(BMPR2):c.155C>T (p.Ser52Phe)

Gene: BMPR2 (bone morphogenetic protein receptor type 2; plus strand). Cytogenetic location: 2q33.1.
Variant type: single nucleotide variant.
Coding change: c.155C>T on transcript NM_001204.7 (MANE Select); coding-DNA position 155, C replaced by T.
Protein change: p.Ser52Phe; replaces serine 52 with phenylalanine.
Molecular consequence: missense variant.
Genome position (GRCh38, 1-based): chr2:202,464,887, C>T. VCF-style: chr2-202464887-C-T. GRCh37 (hg19) VCF-style: chr2-203329610-C-T.
Other names: short protein forms S52F.
Identifiers: ClinVar variation 3824776 (VCV003824776.1).